The following is an entry in ClinVar:

ClinVar aggregate classification (germline): Benign/Likely benign. Review status: criteria provided, multiple submitters, no conflicts (2 of 4 stars). 6 submissions from 6 submitters: Benign (4); Likely benign (2). Last evaluated 2026-01-28.

Allele frequency attached by ClinVar (database versions not stated): ESP Exome Variant Server 0.00069; gnomAD exomes 0.00102 and 0.00205; ExAC 0.00243; 1000 Genomes Project 0.00799; gnomAD 0.00799 and 0.00853; 1000 Genomes Project 30x 0.00874; TOPMed 0.00982.
gnomAD v4.1: 2,783 of 1,614,134 alleles (0.17%); highest among the groups gnomAD compares: African/African-American, 2.7%; 29 homozygotes.

Submissions (6):

Labcorp Genetics (formerly Invitae), Labcorp
Classification: Likely benign. Last evaluated: 2026-01-28. Review status: criteria provided, single submitter. Criteria: Invitae Variant Classification Sherloc (09022015). Collection method: clinical testing. Allele origin: germline.

Blueprint Genetics
Classification: Likely benign. Last evaluated: 2024-11-25. Review status: criteria provided, single submitter. Criteria: ACMG Guidelines, 2015. Collection method: clinical testing. Allele origin: germline.

Athena Diagnostics
Classification: Benign. Last evaluated: 2019-06-24. Review status: criteria provided, single submitter. Criteria: Athena Diagnostics Criteria. Collection method: clinical testing. Allele origin: germline.

GeneDx
Classification: Benign. Last evaluated: 2016-04-12. Review status: criteria provided, single submitter. Criteria: GeneDx Variant Classification (06012015). Collection method: clinical testing. Allele origin: germline. Affected: yes.
Comment: This variant is considered likely benign or benign based on one or more of the following criteria: it is a conservative change, it occurs at a poorly conserved position in the protein, it is predicted to be benign by multiple in silico algorithms, and/or has population frequency not consistent with disease.

Eurofins Ntd Llc (ga)
Classification: Benign. Last evaluated: 2015-05-05. Review status: criteria provided, single submitter. Criteria: EGL Classification Definitions 2015. Collection method: clinical testing. Allele origin: germline. Observed: 1 variant allele, 1 heterozygote.

Genetic Services Laboratory, University of Chicago
Classification: Benign. Last evaluated: 2013-02-08. Review status: criteria provided, single submitter. Criteria: ACMG Guidelines, 2007. Collection method: clinical testing. Allele origin: germline. Inheritance: Autosomal dominant inheritance.

NM_006009.4(TUBA1A):c.1008G>A (p.Lys336=)

Gene: TUBA1A (tubulin alpha 1a; minus strand). Cytogenetic location: 12q13.12.
Variant type: single nucleotide variant.
Coding change: c.1008G>A on transcript NM_006009.4 (MANE Select); coding-DNA position 1008, G replaced by A.
Protein change: p.Lys336=; no amino-acid change (lysine 336 retained).
Molecular consequence: synonymous variant.
Genome position (GRCh38, 1-based): chr12:49,185,358, C>T on the plus strand (G>A on the coding strand, the complement: TUBA1A is on the minus strand). VCF-style: chr12-49185358-C-T. GRCh37 (hg19) VCF-style: chr12-49579141-C-T.
Other names: c.1008G>A, p.Lys336= (NM_001270399.2); c.903G>A, p.Lys301= (NM_001270400.2).
Identifiers: ClinVar variation 160141 (VCV000160141.22), dbSNP rs11829764, ClinGen allele CA173745.